The following is an entry in ClinVar:

ClinVar aggregate classification (germline): Uncertain significance (1 of 4 stars; one submission).

Conditions:
Alagille syndrome due to a JAG1 point mutation. Also called: HEPATIC DUCTULAR HYPOPLASIA, SYNDROMATIC; JAG1-Related Alagille Syndrome; Alagille Syndrome 1. Identifiers: Orphanet 261619, Orphanet 52, MedGen C1956125, MONDO:0016862, OMIM 118450.

Submission:

Labcorp Genetics (formerly Invitae), Labcorp
Classification: Uncertain significance for Alagille syndrome due to a JAG1 point mutation. Last evaluated: 2024-04-18. Review status: criteria provided, single submitter. Criteria: Invitae Variant Classification Sherloc (09022015). Collection method: clinical testing. Allele origin: germline.
Comment: This sequence change replaces glutamic acid, which is acidic and polar, with aspartic acid, which is acidic and polar, at codon 1158 of the JAG1 protein (p.Glu1158Asp). This variant is not present in population databases (gnomAD no frequency). This variant has not been reported in the literature in individuals affected with JAG1-related conditions. Advanced modeling of protein sequence and biophysical properties (such as structural, functional, and spatial information, amino acid conservation, physicochemical variation, residue mobility, and thermodynamic stability) performed at Invitae indicates that this missense variant is not expected to disrupt JAG1 protein function with a negative predictive value of 95%. In summary, the available evidence is currently insufficient to determine the role of this variant in disease. Therefore, it has been classified as a Variant of Uncertain Significance.

NM_000214.3(JAG1):c.3474G>T (p.Glu1158Asp)

Gene: JAG1 (jagged canonical Notch ligand 1; minus strand). Cytogenetic location: 20p12.2.
Variant type: single nucleotide variant.
Coding change: c.3474G>T on transcript NM_000214.3 (MANE Select); coding-DNA position 3474, G replaced by T.
Protein change: p.Glu1158Asp; replaces glutamic acid 1158 with aspartic acid.
Molecular consequence: missense variant.
Genome position (GRCh38, 1-based): chr20:10,639,681, C>A on the plus strand (G>T on the coding strand, the complement: JAG1 is on the minus strand). VCF-style: chr20-10639681-C-A. GRCh37 (hg19) VCF-style: chr20-10620329-C-A.
Other names: short protein forms E1158D.
Identifiers: ClinVar variation 3650415 (VCV003650415.2).